The following is an entry in ClinVar:

ClinVar aggregate classification (germline): Conflicting classifications of pathogenicity. Review status: criteria provided, conflicting classifications (1 of 4 stars). 2 submissions from 2 submitters: Uncertain significance (1); Likely benign (1). Last evaluated 2026-06-01.

Conditions:
Neonatal encephalomyopathy-cardiomyopathy-respiratory distress syndrome. Also called: Coenzyme Q10 deficiency, primary, 7. Identifiers: Orphanet 457185, MedGen C5568562, MONDO:0014562, OMIM 616276.

Allele frequency attached by ClinVar (database versions not stated): gnomAD exomes below 0.00001; TOPMed below 0.00001.
gnomAD v4.1: 1 of 1,602,114 alleles (0.000062%); highest among the groups gnomAD compares: Non-Finnish European, 0.000085%; no homozygotes.

Submissions (2):

CeGaT Center for Human Genetics Tuebingen
Classification: Uncertain significance. Last evaluated: 2026-06-01. Review status: criteria provided, single submitter. Criteria: CeGaT Center For Human Genetics Tuebingen Variant Classification Criteria Version 2. Collection method: clinical testing. Allele origin: germline. Affected: yes. Observed: 1 variant allele.
Comment: COQ4: PM2, BP4

Labcorp Genetics (formerly Invitae), Labcorp
Classification: Likely benign for Neonatal encephalomyopathy-cardiomyopathy-respiratory distress syndrome. Last evaluated: 2023-06-03. Review status: criteria provided, single submitter. Criteria: Invitae Variant Classification Sherloc (09022015). Collection method: clinical testing. Allele origin: germline.

NM_016035.5(COQ4):c.70+7G>C

Gene: COQ4 (coenzyme Q4; plus strand). Cytogenetic location: 9q34.11.
Variant type: single nucleotide variant.
Coding change: c.70+7G>C on transcript NM_016035.5 (MANE Select); 7 bases into the intron after coding-DNA position 70, G replaced by C.
Molecular consequence: intron variant.
Genome position (GRCh38, 1-based): chr9:128,322,935, G>C. VCF-style: chr9-128322935-G-C. GRCh37 (hg19) VCF-style: chr9-131085214-G-C.
Other names: c.70+7G>C (NM_001305942.2).
Identifiers: ClinVar variation 2919132 (VCV002919132.5), dbSNP rs1832233322, ClinGen allele CA1880225085.